The following is an entry in ClinVar:

NM_003560.4(PLA2G6):c.554A>G (p.Lys185Arg)

Gene: PLA2G6 (phospholipase A2 group VI; minus strand). Cytogenetic location: 22q13.1.
Variant type: single nucleotide variant.
Coding change: c.554A>G on transcript NM_003560.4 (MANE Select); coding-DNA position 554, A replaced by G.
Protein change: p.Lys185Arg; replaces lysine 185 with arginine.
Molecular consequence: missense variant.
Genome position (GRCh38, 1-based): chr22:38,143,160, T>C on the plus strand (A>G on the coding strand, the complement: PLA2G6 is on the minus strand). VCF-style: chr22-38143160-T-C. GRCh37 (hg19) VCF-style: chr22-38539167-T-C.
Other names: c.554A>G, p.Lys185Arg (NM_001004426.3, NM_001199562.3, NM_001349864.2 and 2 more transcripts); c.20A>G, p.Lys7Arg (NM_001349867.2, NM_001349869.2); c.64A>G, p.Arg22Gly (NM_001349868.2); short protein forms K185R, K7R, R22G.
Identifiers: ClinVar variation 942794 (VCV000942794.9), dbSNP rs746116318, ClinGen allele CA10231235.

ClinVar aggregate classification (germline): Uncertain significance. Review status: criteria provided, multiple submitters, no conflicts (2 of 4 stars). 3 submissions from 3 submitters: Uncertain significance (3). Last evaluated 2025-04-21.

Conditions:
Infantile neuroaxonal dystrophy (NBIA2A). Also called: Infantile neuroaxonal dystrophy 1; SEITELBERGER DISEASE; NEURODEGENERATION WITH BRAIN IRON ACCUMULATION 2A. Identifiers: Orphanet 35069, MedGen C0270724, MONDO:0024457, OMIM 256600.
Inborn genetic diseases. Identifiers: MedGen C0950123, MeSH D030342.

Allele frequency attached by ClinVar (database versions not stated): gnomAD exomes below 0.00001 and 0.00001; gnomAD 0.00001; ExAC 0.00001.
gnomAD v4.1: 6 of 1,614,078 alleles (0.00037%); highest among the groups gnomAD compares: South Asian, 0.0011%; no homozygotes.

Submissions (3):

GeneDx
Classification: Uncertain significance. Last evaluated: 2025-04-21. Review status: criteria provided, single submitter. Criteria: GeneDx Variant Classification Process June 2021. Collection method: clinical testing. Allele origin: germline. Affected: yes.
Comment: Not observed at significant frequency in large population cohorts (gnomAD); In silico analysis indicates that this missense variant does not alter protein structure/function; Has not been previously published as pathogenic or benign to our knowledge

Ambry Genetics
Classification: Uncertain significance for Inborn genetic diseases. Last evaluated: 2024-12-10. Review status: criteria provided, single submitter. Criteria: Ambry Variant Classification Scheme 2023. Collection method: clinical testing. Allele origin: germline.

Labcorp Genetics (formerly Invitae), Labcorp
Classification: Uncertain significance for Infantile neuroaxonal dystrophy. Last evaluated: 2022-01-17. Review status: criteria provided, single submitter. Criteria: Invitae Variant Classification Sherloc (09022015). Collection method: clinical testing. Allele origin: germline.
Comment: This sequence change replaces lysine, which is basic and polar, with arginine, which is basic and polar, at codon 185 of the PLA2G6 protein (p.Lys185Arg). This variant is present in population databases (rs746116318, gnomAD 0.003%). This variant has not been reported in the literature in individuals affected with PLA2G6-related conditions. ClinVar contains an entry for this variant (Variation ID: 942794). Advanced modeling of protein sequence and biophysical properties (such as structural, functional, and spatial information, amino acid conservation, physicochemical variation, residue mobility, and thermodynamic stability) performed at Invitae indicates that this missense variant is not expected to disrupt PLA2G6 protein function. Algorithms developed to predict the effect of sequence changes on RNA splicing suggest that this variant may create or strengthen a splice site. In summary, the available evidence is currently insufficient to determine the role of this variant in disease. Therefore, it has been classified as a Variant of Uncertain Significance.